The following is an entry in ClinVar:

ClinVar aggregate classification (germline): other (0 of 4 stars; one submission).

Conditions:
Familial colorectal cancer. Identifiers: MedGen CN280943, MONDO:0023113. Disease mechanism: loss of function.

Submission:

Systems Biology Platform Zhejiang California International NanoSystems Institute
Classification: other for Familial colorectal cancer. Review status: no assertion criteria provided. Collection method: not provided. Allele origin: unknown.
ClinVar note: Converted during submission from cancer to other.

NM_001127511.3(APC):c.166-28714C>A

Gene: APC (APC regulator of Wnt signaling pathway; plus strand). Cytogenetic location: 5q22.2.
Variant type: single nucleotide variant.
Coding change: c.166-28714C>A on transcript NM_001127511.3; 28714 bases into the intron before coding-DNA position 166, C replaced by A.
Molecular consequence: intron variant.
Genome position (GRCh38, 1-based): chr5:112,737,612, C>A. VCF-style: chr5-112737612-C-A. GRCh37 (hg19) VCF-style: chr5-112073309-C-A.
Other names: c.-1053-17261C>A (NM_001407470.1, NM_001407472.1); c.-18-17261C>A (NM_001407447.1, NM_001354895.2, NM_001407456.1 and 7 more transcripts); c.166-28714C>A (NM_001407446.1, NM_001354897.2, NM_001354902.2); c.-42-28714C>A (NM_001407453.1).
Identifiers: ClinVar variation 82734 (VCV000082734.4), dbSNP rs79488395, ClinGen allele CA023887.